The following is an entry in ClinVar:

ClinVar aggregate classification (germline): Likely pathogenic. Review status: criteria provided, multiple submitters, no conflicts (2 of 4 stars). 2 submissions from 2 submitters: Likely pathogenic (2). Last evaluated 2023-08-03.

Conditions:
CNGB3-related disorder. Also called: CNGB3-related disorders; CNGB3-related condition. Identifiers: MedGen CN239340.

Allele frequency attached by ClinVar (database versions not stated): gnomAD exomes below 0.00001; ExAC 0.00002.

Submissions (2):

Blueprint Genetics
Classification: Likely pathogenic for CNGB3-related disorders. Last evaluated: 2023-08-03. Review status: criteria provided, single submitter. Criteria: ACMG Guidelines, 2015. Collection method: clinical testing. Allele origin: germline. Affected: yes. Observed: 4 variant alleles.

Labcorp Genetics (formerly Invitae), Labcorp
Classification: Likely pathogenic. Last evaluated: 2022-07-25. Review status: criteria provided, single submitter. Criteria: Invitae Variant Classification Sherloc (09022015). Collection method: clinical testing. Allele origin: germline.
Comment: In summary, the currently available evidence indicates that the variant is pathogenic, but additional data are needed to prove that conclusively. Therefore, this variant has been classified as Likely Pathogenic. Algorithms developed to predict the effect of sequence changes on RNA splicing suggest that this variant may disrupt the consensus splice site. This variant has not been reported in the literature in individuals affected with CNGB3-related conditions. This variant is present in population databases (rs779945354, gnomAD 0.007%). This sequence change affects a splice site in intron 8 of the CNGB3 gene. It is expected to disrupt RNA splicing. Variants that disrupt the donor or acceptor splice site typically lead to a loss of protein function (PMID: 16199547), and loss-of-function variants in CNGB3 are known to be pathogenic (PMID: 28795510).

Literature cited by the submitters: PubMed 16199547 (cited by Labcorp Genetics (formerly Invitae), Labcorp); PubMed 28795510 (cited by Labcorp Genetics (formerly Invitae), Labcorp).

NM_019098.5(CNGB3):c.991-1del

Gene: CNGB3 (cyclic nucleotide gated channel subunit beta 3; minus strand). Cytogenetic location: 8q21.3.
Variant type: Deletion.
Coding change: c.991-1del on transcript NM_019098.5 (MANE Select); the canonical splice acceptor site of the intron before coding-DNA position 991, one base deleted (G; older notation c.991-1delG).
Molecular consequence: splice acceptor variant.
Genome position (GRCh38, 1-based): chr8:86,644,687, C deleted on the plus strand (G on the coding strand, the reverse complement: CNGB3 is on the minus strand). VCF-style (leftmost placement, unchanged base first): chr8-86644686-AC-A. GRCh37 (hg19) VCF-style: chr8-87656914-AC-A.
Identifiers: ClinVar variation 2088956 (VCV002088956.5), dbSNP rs779945354, ClinGen allele CA4800184.